The following is an entry in ClinVar:

ClinVar aggregate classification (germline): Pathogenic (1 of 4 stars; one submission).

Conditions:
Congenital disorder of deglycosylation 1. Also called: NGLY1-Related Congenital Disorder of Deglycosylation; NGLY1-deficiency. Identifiers: Orphanet 404454, MedGen CN306977, MONDO:0800044, OMIM 615273.

Submission:

Broad Center for Mendelian Genomics, Broad Institute of MIT and Harvard
Classification: Pathogenic for Congenital disorder of deglycosylation 1. Last evaluated: 2023-08-24. Review status: criteria provided, single submitter. Criteria: ACMG/ClinGen CNV Guidelines, 2019. Collection method: research. Allele origin: unknown. Inheritance: Autosomal recessive inheritance. Affected: yes.
Comment: Inheritance information is unavailable. The patient phenotype is nonspecific, but is consistent with cases described in the literature and/or published databases with overlapping variants. This intragenic variant is predicted to cause a frameshift, which alters the protein’s amino acid sequence beginning at exon 6 and leads to a premature termination codon. This alteration is then predicted to lead to a truncated or absent protein. Loss of function of NGLY1 is an established disease mechanism in autosomal recessive congenital disorder of deglycosylation. In summary, this variant meets criteria to be classified as pathogenic for autosomal recessive congenital disorder of deglycosylation. The ACMG/ClinGen evidence codes and points used in this curation are as follows: 1: 0 points, 2: 0.9 points, 3: 0 points, 4-5: 0.15 points; Total: 1.05 points; Riggs 2020 (PMID: 31690835).

GRCh38/hg38 3p24.2(chr3:25699606-25738988)x0

Gene: NGLY1 (N-glycanase 1; minus strand). Cytogenetic location: 3p24.2.
Variant type: copy number loss.
Change: copy number 0 (both copies lost) of chr3:25,699,606-25,738,988 (39.4 kb, GRCh38 coordinates, 1-based), cytogenetic band 3p24.2.
Identifiers: ClinVar variation 2579214 (VCV002579214.1).